The following is an entry in ClinVar:

NM_205768.3(ZBTB18):c.1299C>A (p.Thr433=)

Gene: ZBTB18 (zinc finger and BTB domain containing 18; plus strand). Cytogenetic location: 1q44.
Variant type: single nucleotide variant.
Coding change: c.1299C>A on transcript NM_205768.3 (MANE Select); coding-DNA position 1299, C replaced by A.
Protein change: p.Thr433=; no amino-acid change (threonine 433 retained).
Molecular consequence: synonymous variant.
Genome position (GRCh38, 1-based): chr1:244,055,073, C>A. VCF-style: chr1-244055073-C-A. GRCh37 (hg19) VCF-style: chr1-244218375-C-A.
Other names: c.1272C>A, p.Thr424= (NM_001278196.2, NM_006352.5).
Identifiers: ClinVar variation 1298468 (VCV001298468.39), dbSNP rs375286592, ClinGen allele CA1484439.
Genomic context (GRCh38, chr1:244,055,073, plus strand): 5'-CGCCGATGTCAACGTGCCCACGTGCTCGCTGTGTGGGAAGACTTTCTCTTGCATGTACAC[C>A]CTCAAGCGCCACGAGAGGACTCACTCGGGGGAGAAGCCCTACACATGCACCCAGTGCGGC-3'
Protein context (NP_991331.1, residues 423-443): LCGKTFSCMY[Thr433=]LKRHERTHSG

ClinVar aggregate classification (germline): Likely benign. Review status: criteria provided, multiple submitters, no conflicts (2 of 4 stars). 2 submissions from 2 submitters: Likely benign (2). Last evaluated 2026-02-01.

Allele frequency attached by ClinVar (database versions not stated): ESP Exome Variant Server 0.00015; gnomAD exomes 0.00019 and 0.00028; ExAC 0.00024.
gnomAD v4.1: 437 of 1,614,098 alleles (0.027%); highest among the groups gnomAD compares: Middle Eastern, 0.049%; no homozygotes.

Submissions (2):

Labcorp Genetics (formerly Invitae), Labcorp
Classification: Likely benign. Last evaluated: 2026-02-01. Review status: criteria provided, single submitter. Criteria: Invitae Variant Classification Sherloc (09022015). Collection method: clinical testing. Allele origin: germline.

CeGaT Center for Human Genetics Tuebingen
Classification: Likely benign. Last evaluated: 2024-03-01. Review status: criteria provided, single submitter. Criteria: CeGaT Center For Human Genetics Tuebingen Variant Classification Criteria Version 2. Collection method: clinical testing. Allele origin: germline. Affected: yes. Observed: 4 variant alleles.
Comment: ZBTB18: BP4, BP7